The following is an entry in ClinVar:

ClinVar aggregate classification (germline): Uncertain significance (1 of 4 stars; one submission).

Conditions:
Congenital myasthenic syndrome 8. Also called: Myasthenic syndrome, congenital, 8, with pre- and postsynaptic defects; MYASTHENIC SYNDROME, CONGENITAL, DUE TO AGRIN DEFICIENCY. Identifiers: Orphanet 590, MedGen C3808739, MONDO:0014052, OMIM 615120.

Allele frequency attached by ClinVar (database versions not stated): TOPMed below 0.00001; gnomAD 0.00001.
gnomAD v4.1: 3 of 1,536,424 alleles (0.0002%); highest among the groups gnomAD compares: African/African-American, 0.0041%; no homozygotes.

Submission:

Labcorp Genetics (formerly Invitae), Labcorp
Classification: Uncertain significance for Congenital myasthenic syndrome 8. Last evaluated: 2022-06-30. Review status: criteria provided, single submitter. Criteria: Invitae Variant Classification Sherloc (09022015). Collection method: clinical testing. Allele origin: germline.
Comment: In summary, the available evidence is currently insufficient to determine the role of this variant in disease. Therefore, it has been classified as a Variant of Uncertain Significance. Algorithms developed to predict the effect of missense changes on protein structure and function are either unavailable or do not agree on the potential impact of this missense change (SIFT: "Deleterious"; PolyPhen-2: "Benign"; Align-GVGD: "Class C0"). This variant has not been reported in the literature in individuals affected with AGRN-related conditions. This variant is present in population databases (no rsID available, gnomAD 0.006%). This sequence change replaces glutamine, which is neutral and polar, with leucine, which is neutral and non-polar, at codon 306 of the AGRN protein (p.Gln306Leu).

NM_198576.4(AGRN):c.917A>T (p.Gln306Leu)

Gene: AGRN (agrin; plus strand). Cytogenetic location: 1p36.33.
Variant type: single nucleotide variant.
Coding change: c.917A>T on transcript NM_198576.4 (MANE Select); coding-DNA position 917, A replaced by T.
Protein change: p.Gln306Leu; replaces glutamine 306 with leucine.
Molecular consequence: missense variant.
Genome position (GRCh38, 1-based): chr1:1,041,362, A>T. VCF-style: chr1-1041362-A-T. GRCh37 (hg19) VCF-style: chr1-976742-A-T.
Other names: c.917A>T, p.Gln306Leu (NM_001305275.2); c.602A>T, p.Gln201Leu (NM_001364727.2); short protein forms Q306L, Q201L.
Identifiers: ClinVar variation 1915235 (VCV001915235.5), dbSNP rs1464707331, ClinGen allele CA337825009.